The following is an entry in ClinVar:

NM_000540.3(RYR1):c.14649T>C (p.Cys4883=)

Gene: RYR1 (ryanodine receptor 1; plus strand). Cytogenetic location: 19q13.2.
Variant type: single nucleotide variant.
Coding change: c.14649T>C on transcript NM_000540.3 (MANE Select); coding-DNA position 14649, T replaced by C.
Protein change: p.Cys4883=; no amino-acid change (cysteine 4883 retained).
Molecular consequence: synonymous variant.
Genome position (GRCh38, 1-based): chr19:38,584,945, T>C. VCF-style: chr19-38584945-T-C. GRCh37 (hg19) VCF-style: chr19-39075585-T-C.
Other names: c.14634T>C, p.Cys4878= (NM_001042723.2).
Identifiers: ClinVar variation 3014447 (VCV003014447.5), dbSNP rs779074975, ClinGen allele CA061498.

ClinVar aggregate classification (germline): Likely benign. Review status: criteria provided, multiple submitters, no conflicts (2 of 4 stars). 3 submissions from 3 submitters: Likely benign (3). Last evaluated 2023-06-08.

Conditions:
RYR1-related disorder. Also called: RYR1-related condition; RYR1-related disorders. Identifiers: MedGen CN239331.
Malignant hyperthermia, susceptibility to, 1 (MHS1). Also called: Anesthesia related hyperthermia; Malignant hyperpyrexia; Fulminating hyperpyrexia; Pharmacogenic myopathy; RYR1-Related Malignant Hyperthermia Susceptibility; Malignant hyperthermia suceptibility 1. Identifiers: Orphanet 423, MedGen C2930980, MONDO:0007783, OMIM 145600.

Allele frequency attached by ClinVar (database versions not stated): ExAC 0.00001; gnomAD exomes 0.00001.
gnomAD v4.1: 6 of 1,613,854 alleles (0.00037%); highest among the groups gnomAD compares: East Asian, 0.013%; no homozygotes.

Submissions (3):

All of Us Research Program, National Institutes of Health
Classification: Likely benign for Malignant hyperthermia, susceptibility to, 1. Last evaluated: 2023-06-08. Review status: criteria provided, single submitter. Criteria: ACMG Guidelines, 2015. Collection method: clinical testing. Allele origin: germline. Inheritance: Autosomal dominant inheritance. Observed: 1 variant allele, 1 heterozygote.
Comment: This study involves interpretation of variants in research participants for the purpose of population health screening. Participant phenotype was not available at the time of variant classification. Additional details can be found in publication PMID: 35346344, PMCID: PMC8962531

Labcorp Genetics (formerly Invitae), Labcorp
Classification: Likely benign for RYR1-related disorder. Last evaluated: 2023-04-20. Review status: criteria provided, single submitter. Criteria: Invitae Variant Classification Sherloc (09022015). Collection method: clinical testing. Allele origin: germline.

Color Diagnostics, LLC DBA Color Health
Classification: Likely benign for Malignant hyperthermia, susceptibility to, 1. Last evaluated: 2022-11-06. Review status: criteria provided, single submitter. Criteria: ACMG Guidelines, 2015. Collection method: clinical testing. Allele origin: germline.